The following is an entry in ClinVar:

NM_005802.5(TOPORS):c.274A>G (p.Thr92Ala)

Gene: TOPORS (TOP1 binding arginine/serine rich protein, E3 ubiquitin ligase; minus strand). Cytogenetic location: 9p21.1.
Variant type: single nucleotide variant.
Coding change: c.274A>G on transcript NM_005802.5 (MANE Select); coding-DNA position 274, A replaced by G.
Protein change: p.Thr92Ala; replaces threonine 92 with alanine.
Molecular consequence: missense variant.
Genome position (GRCh38, 1-based): chr9:32,544,251, T>C on the plus strand (A>G on the coding strand, the complement: TOPORS is on the minus strand). VCF-style: chr9-32544251-T-C. GRCh37 (hg19) VCF-style: chr9-32544249-T-C.
Other names: c.79A>G, p.Thr27Ala (NM_001195622.2); short protein forms T27A, T92A.
Identifiers: ClinVar variation 2060117 (VCV002060117.4), dbSNP rs2489455455, ClinGen allele CA373173018.

ClinVar aggregate classification (germline): Uncertain significance (1 of 4 stars; one submission).

Allele frequency attached by ClinVar (database versions not stated): gnomAD exomes below 0.00001.
gnomAD v4.1: 1 of 1,608,842 alleles (0.000062%); highest among the groups gnomAD compares: Non-Finnish European, 0.000085%; no homozygotes.

Submission:

Labcorp Genetics (formerly Invitae), Labcorp
Classification: Uncertain significance. Last evaluated: 2025-10-21. Review status: criteria provided, single submitter. Criteria: Invitae Variant Classification Sherloc (09022015). Collection method: clinical testing. Allele origin: germline.
Comment: This sequence change replaces threonine, which is neutral and polar, with alanine, which is neutral and non-polar, at codon 92 of the TOPORS protein (p.Thr92Ala). This variant is not present in population databases (gnomAD no frequency). This variant has not been reported in the literature in individuals affected with TOPORS-related conditions. ClinVar contains an entry for this variant (Variation ID: 2060117). An algorithm developed to predict the effect of missense changes on protein structure and function (PolyPhen-2) suggests that this variant is likely to be tolerated. In summary, the available evidence is currently insufficient to determine the role of this variant in disease. Therefore, it has been classified as a Variant of Uncertain Significance.